The following is an entry in ClinVar:

ClinVar aggregate classification (germline): Benign (1 of 4 stars; one submission).

Conditions:
Familial colorectal cancer type X. Identifiers: Orphanet 440437, MedGen C3896578, MONDO:0018604.

Submission:

Myriad Genetics, Inc.
Classification: Benign for Familial colorectal cancer type X. Last evaluated: 2026-08-04. Review status: criteria provided, single submitter. Criteria: Myriad Autosomal Dominant, Autosomal Recessive and X-Linked Classification Criteria (2023). Collection method: clinical testing. Allele origin: unknown.
Comment: This variant is considered benign. This variant is a silent/synonymous amino acid change and it is not expected to impact splicing.

NM_001146227.3(RPS20):c.388T>C (p.Leu130=)

Gene: RPS20 (ribosomal protein S20; minus strand). Cytogenetic location: 8q12.1.
Variant type: single nucleotide variant.
Coding change: c.388T>C on transcript NM_001146227.3; coding-DNA position 388, T replaced by C.
Protein change: p.Leu130=; no amino-acid change (leucine 130 retained).
Molecular consequence: synonymous variant.
Genome position (GRCh38, 1-based): chr8:56,069,779, A>G on the plus strand (T>C on the coding strand, the complement: RPS20 is on the minus strand). VCF-style: chr8-56069779-A-G. GRCh37 (hg19) VCF-style: chr8-56982338-A-G.
Identifiers: ClinVar variation 5042279 (VCV005042279.1).